The following is an entry in ClinVar:

NM_000092.5(COL4A4):c.2986G>T (p.Gly996Trp)

Gene: COL4A4 (collagen type IV alpha 4 chain; minus strand). Cytogenetic location: 2q36.3.
Variant type: single nucleotide variant.
Coding change: c.2986G>T on transcript NM_000092.5 (MANE Select); coding-DNA position 2986, G replaced by T.
Protein change: p.Gly996Trp; replaces glycine 996 with tryptophan.
Molecular consequence: missense variant.
Genome position (GRCh38, 1-based): chr2:227,051,141, C>A on the plus strand (G>T on the coding strand, the complement: COL4A4 is on the minus strand). VCF-style: chr2-227051141-C-A. GRCh37 (hg19) VCF-style: chr2-227915857-C-A.
Other names: short protein forms G996W.
Identifiers: ClinVar variation 2916276 (VCV002916276.5), dbSNP rs370474706, ClinGen allele CA350839268.
Genomic context (GRCh38, chr2:227,051,141, plus strand): 5'-CCCCTCTGTGAAATCCAGGTGGTCCGTATCTTCCCGGCTCTCCTCTTCTCCCTTGCATCC[C>A]GGGAGTTCCTTTATCACCTGATGAAGTTGGAAGTGTTACAGGTCTCTGCTGAAATTTTGA-3'
Protein context (NP_000083.3, residues 986-1006): PGERGDKGTP[Gly996Trp]MQGRRGEPGR

ClinVar aggregate classification (germline): Conflicting classifications of pathogenicity. Review status: criteria provided, conflicting classifications (1 of 4 stars). 3 submissions from 3 submitters: Likely pathogenic (2); Uncertain significance (1). Last evaluated 2025-08-07.

Conditions:
Autosomal recessive Alport syndrome (ATS2). Also called: COL4A3-Related Nephropathy; Alport syndrome type 2; ALPORT SYNDROME 2, AUTOSOMAL RECESSIVE; COL4A4 Alport Syndrome and Thin Basement Membrane Nephropathy. Identifiers: Orphanet 63, Orphanet 88919, MedGen C4746745, MONDO:0008762, OMIM 203780.
Hematuria, benign familial, 1 (BFH1). Also called: THIN MEMBRANE NEPHROPATHY. Identifiers: MedGen CN376803, MONDO:0007709, OMIM 141200.
Alport syndrome. Also called: Hemorrhagic familial nephritis; Hemorrhagic hereditary nephritis; Congenital hereditary hematuria. Identifiers: Orphanet 63, MedGen C1567741, MONDO:0018965.

gnomAD v4.1: 2 of 1,614,122 alleles (0.00012%); highest among the groups gnomAD compares: Admixed American, 0.0017%; no homozygotes.

Submissions (3):

Natera, Inc.
Classification: Likely pathogenic for Alport syndrome. Last evaluated: 2025-08-07. Review status: criteria provided, single submitter. Criteria: Natera Variant Classification Schema (03/2026). Collection method: clinical testing. Allele origin: germline.
Comment: The c.2986G>T variant in COL4A4 is a missense variant predicted to cause substitution of glycine to tryptophan at amino acid 996. This variant is rare in the general population with a frequency below the threshold expected for the associated phenotype(s). This variant is located in a functionally critical region of the protein. Computational prediction algorithms indicate this variant is likely to affect gene or protein function. Given the available evidence, this variant is classified as Likely Pathogenic.

Fulgent Genetics
Classification: Likely pathogenic for Hematuria, benign familial, 1; Autosomal recessive Alport syndrome. Last evaluated: 2023-12-21. Review status: criteria provided, single submitter. Criteria: ACMG Guidelines, 2015. Collection method: clinical testing. Allele origin: germline.

Labcorp Genetics (formerly Invitae), Labcorp
Classification: Uncertain significance. Last evaluated: 2023-02-22. Review status: criteria provided, single submitter. Criteria: Invitae Variant Classification Sherloc (09022015). Collection method: clinical testing. Allele origin: germline.
Comment: In summary, the available evidence is currently insufficient to determine the role of this variant in disease. Therefore, it has been classified as a Variant of Uncertain Significance. Advanced modeling of protein sequence and biophysical properties (such as structural, functional, and spatial information, amino acid conservation, physicochemical variation, residue mobility, and thermodynamic stability) performed at Invitae indicates that this missense variant is expected to disrupt COL4A4 protein function. This variant has not been reported in the literature in individuals affected with COL4A4-related conditions. This variant is present in population databases (no rsID available, gnomAD 0.007%). This sequence change replaces glycine, which is neutral and non-polar, with tryptophan, which is neutral and slightly polar, at codon 996 of the COL4A4 protein (p.Gly996Trp).